The following is an entry in ClinVar:

NM_004859.4(CLTC):c.1199G>A (p.Arg400Gln)

Gene: CLTC (clathrin heavy chain; plus strand). Cytogenetic location: 17q23.1.
Variant type: single nucleotide variant.
Coding change: c.1199G>A on transcript NM_004859.4 (MANE Select); coding-DNA position 1199, G replaced by A.
Protein change: p.Arg400Gln; replaces arginine 400 with glutamine.
Molecular consequence: missense variant.
Genome position (GRCh38, 1-based): chr17:59,661,474, G>A. VCF-style: chr17-59661474-G-A. GRCh37 (hg19) VCF-style: chr17-57738835-G-A.
Other names: c.1211G>A, p.Arg404Gln (NM_001288653.2); short protein forms R400Q, R404Q.
Identifiers: ClinVar variation 4698893 (VCV004698893.1).
Genomic context (GRCh38, chr17:59,661,474, plus strand): 5'-AGAGCGTTTAACATTTCTCCTTCTTAAAGGGAATTCTTCGTACTCCAGACACTATCCGTC[G>A]GTTCCAGAGTGTCCCAGCCCAGCCAGGTCAAACTTCTCCTCTACTTCAGTACTTTGGTAT-3'
Protein context (NP_004850.1, residues 390-410): GILRTPDTIR[Arg400Gln]FQSVPAQPGQ

ClinVar aggregate classification (germline): Uncertain significance (1 of 4 stars; one submission).

gnomAD v4.1: 4 of 1,613,754 alleles (0.00025%); highest among the groups gnomAD compares: East Asian, 0.0022%; no homozygotes.

Submission:

Labcorp Genetics (formerly Invitae), Labcorp
Classification: Uncertain significance. Last evaluated: 2025-12-15. Review status: criteria provided, single submitter. Criteria: Invitae Variant Classification Sherloc (09022015). Collection method: clinical testing. Allele origin: germline.
Comment: This sequence change replaces arginine, which is basic and polar, with glutamine, which is neutral and polar, at codon 404 of the CLTC protein (p.Arg404Gln). This variant is not present in population databases (gnomAD no frequency). This variant has not been reported in the literature in individuals affected with CLTC-related conditions. Invitae Evidence Modeling of protein sequence and biophysical properties (such as structural, functional, and spatial information, amino acid conservation, physicochemical variation, residue mobility, and thermodynamic stability) indicates that this missense variant is not expected to disrupt CLTC protein function with a negative predictive value of 80%. In summary, the available evidence is currently insufficient to determine the role of this variant in disease. Therefore, it has been classified as a Variant of Uncertain Significance.